The following is an entry in ClinVar:

NM_006424.3(SLC34A2):c.841A>G (p.Lys281Glu)

Gene: SLC34A2 (solute carrier family 34 member 2; plus strand). Cytogenetic location: 4p15.2.
Variant type: single nucleotide variant.
Coding change: c.841A>G on transcript NM_006424.3 (MANE Select); coding-DNA position 841, A replaced by G.
Protein change: p.Lys281Glu; replaces lysine 281 with glutamic acid.
Molecular consequence: missense variant.
Genome position (GRCh38, 1-based): chr4:25,670,747, A>G. VCF-style: chr4-25670747-A-G. GRCh37 (hg19) VCF-style: chr4-25672369-A-G.
Other names: c.838A>G, p.Lys280Glu (NM_001177998.2, NM_001177999.2); short protein forms K281E, K280E.
Identifiers: ClinVar variation 786814 (VCV000786814.13), dbSNP rs79937695, ClinGen allele CA2879600.
Genomic context (GRCh38, chr4:25,670,747, plus strand): 5'-TAAATCGGTTCTGAGGATATGCTGATGGTTTCCTGTCTACTGTTTCCACAGCTGGATAAA[A>G]AAGTTATCAGCCAAATTGCAATGAACGATGAAAAAGCGAAAAACAAGAGTCTTGTCAAGA-3'
Protein context (NP_006415.3, residues 271-291): FTKLIVQLDK[Lys281Glu]VISQIAMNDE

ClinVar aggregate classification (germline): Benign/Likely benign. Review status: criteria provided, multiple submitters, no conflicts (2 of 4 stars). 4 submissions from 4 submitters: Benign (1); Likely benign (2). 1 of the submissions does not count toward it. Last evaluated 2026-01-16.

Conditions:
SLC34A2-related disorder. Also called: SLC34A2-related condition.
PULMONARY ALVEOLAR MICROLITHIASIS. Identifiers: Orphanet 60025, MedGen C0155912, MONDO:0009928, OMIM 265100.

Allele frequency attached by ClinVar (database versions not stated): 1000 Genomes Project 30x 0.00156; 1000 Genomes Project 0.00160; TOPMed 0.00239; gnomAD 0.00278 and 0.00283; gnomAD exomes 0.00308 and 0.00426; ExAC 0.00340; ESP Exome Variant Server 0.00377.

Submissions (4):

Labcorp Genetics (formerly Invitae), Labcorp
Classification: Benign. Last evaluated: 2026-01-16. Review status: criteria provided, single submitter. Criteria: Invitae Variant Classification Sherloc (09022015). Collection method: clinical testing. Allele origin: germline.

Blueprint Genetics
Classification: Likely benign. Last evaluated: 2024-11-20. Review status: criteria provided, single submitter. Criteria: ACMG Guidelines, 2015. Collection method: clinical testing. Allele origin: germline.

Department of Pathology and Laboratory Medicine, Sinai Health System
Classification: Likely benign for PULMONARY ALVEOLAR MICROLITHIASIS. Last evaluated: 2022-02-15. Review status: criteria provided, single submitter. Criteria: ACMG Guidelines, 2015. Collection method: research. Allele origin: germline.

PreventionGenetics, part of Exact Sciences
Classification: Likely benign for SLC34A2-related condition. Last evaluated: 2020-02-11. Review status: no assertion criteria provided. Collection method: clinical testing. Allele origin: germline. Not counted in ClinVar's aggregate classification.
Comment: This variant is classified as likely benign based on ACMG/AMP sequence variant interpretation guidelines (Richards et al. 2015 PMID: 25741868, with internal and published modifications).